The following is an entry in ClinVar:

NM_001258392.3(CLPB):c.403+6T>C

Gene: CLPB (ClpB family mitochondrial disaggregase; minus strand). Cytogenetic location: 11q13.4.
Variant type: single nucleotide variant.
Coding change: c.403+6T>C on transcript NM_001258392.3 (MANE Select); 6 bases into the intron after coding-DNA position 403, T replaced by C.
Molecular consequence: intron variant.
Genome position (GRCh38, 1-based): chr11:72,434,066, A>G on the plus strand (T>C on the coding strand, the complement: CLPB is on the minus strand). VCF-style: chr11-72434066-A-G. GRCh37 (hg19) VCF-style: chr11-72145110-A-G.
Other names: c.403+6T>C (NM_001258393.3, NM_030813.6); c.161+6T>C (NM_001258394.3).
Identifiers: ClinVar variation 1347192 (VCV001347192.6), dbSNP rs944669671, ClinGen allele CA2573147647.

ClinVar aggregate classification (germline): Uncertain significance (1 of 4 stars; one submission).

Conditions:
3-methylglutaconic aciduria, type VIIB (MGCA7B). Also called: CLPB Deficiency; 3-methylglutaconic aciduria with cataracts, neurologic involvement and neutropenia; 3-methylglutaconic aciduria, type VII, with cataracts, neurologic involvement and neutropenia. Identifiers: Orphanet 445038, MedGen C5676893, MONDO:0014561, OMIM 616271.

gnomAD v4.1: 1 of 1,608,720 alleles (0.000062%); highest among the groups gnomAD compares: Non-Finnish European, 0.000085%; no homozygotes.

Submission:

Labcorp Genetics (formerly Invitae), Labcorp
Classification: Uncertain significance for 3-methylglutaconic aciduria, type VIIB. Last evaluated: 2023-09-13. Review status: criteria provided, single submitter. Criteria: Invitae Variant Classification Sherloc (09022015). Collection method: clinical testing. Allele origin: germline.
Comment: In summary, the available evidence is currently insufficient to determine the role of this variant in disease. Therefore, it has been classified as a Variant of Uncertain Significance. Variants that disrupt the consensus splice site are a relatively common cause of aberrant splicing (PMID: 17576681, 9536098). Algorithms developed to predict the effect of sequence changes on RNA splicing suggest that this variant is not likely to affect RNA splicing. ClinVar contains an entry for this variant (Variation ID: 1347192). This variant has not been reported in the literature in individuals affected with CLPB-related conditions. This variant is not present in population databases (gnomAD no frequency). This sequence change falls in intron 1 of the CLPB gene. It does not directly change the encoded amino acid sequence of the CLPB protein. It affects a nucleotide within the consensus splice site.

Literature cited by the submitters: PubMed 17576681; PubMed 9536098.